The following is an entry in ClinVar:

ClinVar aggregate classification (germline): Uncertain significance. Review status: criteria provided, multiple submitters, no conflicts (2 of 4 stars). 2 submissions from 2 submitters: Uncertain significance (2). Last evaluated 2025-12-28.

Conditions:
Epidermolysis bullosa simplex with nail dystrophy (EBS5D). Identifiers: MedGen C4225309, MONDO:0014661, OMIM 616487.
Epidermolysis bullosa simplex, Ogna type (EBS5A). Also called: Pidermolysis bullosa simplex 5A, Ogna type; EPIDERMOLYSIS BULLOSA SIMPLEX 5A, OGNA TYPE. Identifiers: Orphanet 79401, MedGen C0432317, MONDO:0007555, OMIM 131950.
Autosomal recessive limb-girdle muscular dystrophy type 2Q (LGMDR17). Also called: MUSCULAR DYSTROPHY, LIMB-GIRDLE, AUTOSOMAL RECESSIVE 17. Identifiers: Orphanet 254361, MedGen C3150989, MONDO:0013390, OMIM 613723.
Epidermolysis bullosa simplex 5B, with muscular dystrophy (EBS5B). Also called: EPIDERMOLYSIS BULLOSA SIMPLEX AND LIMB-GIRDLE MUSCULAR DYSTROPHY; Epidermolysis bullosa simplex with muscular dystrophy. Identifiers: Orphanet 257, MedGen C2931072, MONDO:0009181, OMIM 226670.
Epidermolysis bullosa simplex 5C, with pyloric atresia (EBS5C). Also called: PLEC-Related Epidermolysis Bullosa with Pyloric Atresia; Epidermolysis bullosa simplex with pyloric atresia; PLEC1-Related Epidermolysis Bullosa with Pyloric Atresia. Identifiers: Orphanet 158684, MedGen C2677349, MONDO:0012807, OMIM 612138.

Allele frequency attached by ClinVar (database versions not stated): gnomAD exomes below 0.00001 and 0.00001.
gnomAD v4.1: 1 of 1,611,844 alleles (0.000062%); highest among the groups gnomAD compares: Non-Finnish European, 0.000085%; no homozygotes.

Submissions (2):

Labcorp Genetics (formerly Invitae), Labcorp
Classification: Uncertain significance for Autosomal recessive limb-girdle muscular dystrophy type 2Q; Epidermolysis bullosa simplex, Ogna type; Epidermolysis bullosa simplex with nail dystrophy; Epidermolysis bullosa simplex 5C, with pyloric atresia; Epidermolysis bullosa simplex 5B, with muscular dystrophy. Last evaluated: 2025-12-28. Review status: criteria provided, single submitter. Criteria: Invitae Variant Classification Sherloc (09022015). Collection method: clinical testing. Allele origin: germline.
Comment: This sequence change replaces serine, which is neutral and polar, with glycine, which is neutral and non-polar, at codon 19 of the PLEC protein (p.Ser19Gly). This variant is present in population databases (no rsID available, gnomAD 0.002%). This variant has not been reported in the literature in individuals affected with PLEC-related conditions. ClinVar contains an entry for this variant (Variation ID: 1415355). Experimental studies and prediction algorithms are not available or were not evaluated, and the functional significance of this variant is currently unknown. In summary, the available evidence is currently insufficient to determine the role of this variant in disease. Therefore, it has been classified as a Variant of Uncertain Significance.

Mayo Clinic Laboratories, Mayo Clinic
Classification: Uncertain significance. Last evaluated: 2024-06-18. Review status: criteria provided, single submitter. Criteria: ACMG Guidelines, 2015. Collection method: clinical testing. Allele origin: germline. Observed: 1 variant allele.
Comment: BP4

NM_000445.5(PLEC):c.55A>G (p.Ser19Gly)

Gene: PLEC (plectin; minus strand). Cytogenetic location: 8q24.3.
Variant type: single nucleotide variant.
Coding change: c.55A>G on transcript NM_000445.5; coding-DNA position 55, A replaced by G.
Protein change: p.Ser19Gly; replaces serine 19 with glycine.
Molecular consequence: missense variant.
Genome position (GRCh38, 1-based): chr8:143,975,315, T>C on the plus strand (A>G on the coding strand, the complement: PLEC is on the minus strand). VCF-style: chr8-143975315-T-C. GRCh37 (hg19) VCF-style: chr8-145049483-T-C.
Other names: p.Ser19Gly; c.55A>G, p.Ser19Gly (NM_001410941.1); short protein forms S19G.
Identifiers: ClinVar variation 1415355 (VCV001415355.8), dbSNP rs1554745694, ClinGen allele CA372492120.